The following is an entry in ClinVar:

NM_004336.5(BUB1):c.2508G>C (p.Gln836His)

Gene: BUB1 (BUB1 mitotic checkpoint serine/threonine kinase; minus strand). Cytogenetic location: 2q13.
Variant type: single nucleotide variant.
Coding change: c.2508G>C on transcript NM_004336.5 (MANE Select); coding-DNA position 2508, G replaced by C.
Protein change: p.Gln836His; replaces glutamine 836 with histidine.
Molecular consequence: missense variant.
Genome position (GRCh38, 1-based): chr2:110,641,759, C>G on the plus strand (G>C on the coding strand, the complement: BUB1 is on the minus strand). VCF-style: chr2-110641759-C-G. GRCh37 (hg19) VCF-style: chr2-111399336-C-G.
Other names: c.2448G>C, p.Gln816His (NM_001278616.2); c.2508G>C, p.Gln836His (NM_001278617.2); short protein forms Q816H, Q836H.
Identifiers: ClinVar variation 2586158 (VCV002586158.2), dbSNP rs2467972313, ClinGen allele CA348090509.
Genomic context (GRCh38, chr2:110,641,759, plus strand): 5'-GTGGGCAGAATAGAACTTCATAAACATGTGCTGCATAGATGGCTTTAGTCTTTCCATCAA[C>G]TGGGTCCCAATGTAGAATTCCCAGGGGTTGGCAGGCTTTTGGACCTGCAAATCAGGTATG-3'
Protein context (NP_004327.1, residues 826-846): ANPWEFYIGT[Gln836His]LMERLKPSMQ

ClinVar aggregate classification (germline): Uncertain significance (1 of 4 stars; one submission).

Submission:

Ambry Genetics
Classification: Uncertain significance. Last evaluated: 2023-08-04. Review status: criteria provided, single submitter. Criteria: Ambry Variant Classification Scheme 2023. Collection method: clinical testing. Allele origin: germline.
Comment: The p.Q836H variant (also known as c.2508G>C), located in coding exon 21 of the BUB1 gene, results from a G to C substitution at nucleotide position 2508. The glutamine at codon 836 is replaced by histidine, an amino acid with highly similar properties. This amino acid position is conserved. In addition, the in silico prediction for this alteration is inconclusive. Since supporting evidence is limited at this time, the clinical significance of this alteration remains unclear.